The following is an entry in ClinVar:

ClinVar aggregate classification (germline): Pathogenic (1 of 4 stars; one submission).

Conditions:
Early-infantile DEE. Also called: Early infantile epileptic encephalopathy; Ohtahara syndrome; Early infantile epileptic encephalopathy with suppression bursts. Identifiers: Orphanet 1934, MedGen C0393706, MONDO:0800491.

Submission:

Labcorp Genetics (formerly Invitae), Labcorp
Classification: Pathogenic for Early-infantile DEE. Last evaluated: 2022-09-06. Review status: criteria provided, single submitter. Criteria: Invitae Variant Classification Sherloc (09022015). Collection method: clinical testing. Allele origin: germline.
Comment: For these reasons, this variant has been classified as Pathogenic. This variant disrupts the p.Arg1329 amino acid residue in SCN1A. Other variant(s) that disrupt this residue have been determined to be pathogenic (PMID: 31009440). This suggests that this residue is clinically significant, and that variants that disrupt this residue are likely to be disease-causing. Advanced modeling of protein sequence and biophysical properties (such as structural, functional, and spatial information, amino acid conservation, physicochemical variation, residue mobility, and thermodynamic stability) performed at Invitae indicates that this missense variant is expected to disrupt SCN1A protein function. This missense change has been observed in individual(s) with Dravet syndrome (PMID: 31864146). This variant is not present in population databases (gnomAD no frequency). This sequence change replaces arginine, which is basic and polar, with leucine, which is neutral and non-polar, at codon 1329 of the SCN1A protein (p.Arg1329Leu).

Literature cited by the submitters: PubMed 31009440; PubMed 31864146.

NM_001165963.4(SCN1A):c.3986G>T (p.Arg1329Leu)

Genes: SCN1A (sodium voltage-gated channel alpha subunit 1; minus strand), LOC102724058 (uncharacterized LOC102724058; plus strand). Cytogenetic location: 2q24.3.
Variant type: single nucleotide variant.
Coding change: c.3986G>T on transcript NM_001165963.4 (MANE Select); coding-DNA position 3986, G replaced by T.
Protein change: p.Arg1329Leu; replaces arginine 1329 with leucine.
Molecular consequence: missense variant. On other transcripts: non-coding transcript variant (1).
Genome position (GRCh38, 1-based): chr2:166,009,735, C>A on the plus strand (G>T on the coding strand, the complement: SCN1A is on the minus strand). VCF-style: chr2-166009735-C-A. GRCh37 (hg19) VCF-style: chr2-166866245-C-A.
Other names: c.3902G>T, p.Arg1301Leu (NM_001165964.3, NM_001353957.2, NM_001353958.2); c.3986G>T, p.Arg1329Leu (NM_001202435.3, NM_001353948.2); c.3953G>T, p.Arg1318Leu (NM_001353949.2, NM_001353950.2, NM_001353951.2 and 2 more transcripts); c.3950G>T, p.Arg1317Leu (NM_001353954.2, NM_001353955.2); c.3899G>T, p.Arg1300Leu (NM_001353960.2); c.1544G>T, p.Arg515Leu (NM_001353961.2); short protein forms R1317L, R1318L, R1329L, R515L, R1301L, R1300L.
Identifiers: ClinVar variation 1916226 (VCV001916226.5), dbSNP rs1032633248, ClinGen allele CA349052922.